The following is an entry in ClinVar:

NM_006767.4(LZTR1):c.2406+1G>A

Gene: LZTR1 (leucine zipper like post translational regulator 1; plus strand). Cytogenetic location: 22q11.21.
Variant type: single nucleotide variant.
Coding change: c.2406+1G>A on transcript NM_006767.4 (MANE Select); the canonical splice donor site of the intron after coding-DNA position 2406, G replaced by A.
Molecular consequence: splice donor variant.
Genome position (GRCh38, 1-based): chr22:20,996,967, G>A. VCF-style: chr22-20996967-G-A. GRCh37 (hg19) VCF-style: chr22-21351256-G-A.
Identifiers: ClinVar variation 1521165 (VCV001521165.9), dbSNP rs770322736, ClinGen allele CA10119388.

ClinVar aggregate classification (germline): Pathogenic/Likely pathogenic. Review status: criteria provided, multiple submitters, no conflicts (2 of 4 stars). 3 submissions from 3 submitters: Pathogenic (1); Likely pathogenic (2). Last evaluated 2025-05-10.

Conditions:
Hereditary cancer-predisposing syndrome. Also called: Tumor predisposition; Neoplastic Syndromes, Hereditary; Hereditary Cancer Syndrome; Hereditary neoplastic syndrome. Identifiers: Orphanet 140162, MedGen C0027672, MeSH D009386, MONDO:0015356.
Cardiovascular phenotype. Identifiers: MedGen CN230736.
LZTR1-related disorder. Also called: LZTR1-related disorders; LZTR1-related condition.

Allele frequency attached by ClinVar (database versions not stated): gnomAD exomes below 0.00001; TOPMed below 0.00001; ExAC 0.00001; gnomAD 0.00001.
gnomAD v4.1: 2 of 1,613,532 alleles (0.00012%); highest among the groups gnomAD compares: African/African-American, 0.0013%; no homozygotes.

Submissions (3):

Ambry Genetics
Classification: Likely pathogenic for Cardiovascular phenotype; Hereditary cancer-predisposing syndrome. Last evaluated: 2025-05-10. Review status: criteria provided, single submitter. Criteria: Ambry Variant Classification Scheme 2023. Collection method: clinical testing. Allele origin: germline.
Comment: The c.2406+1G>A intronic variant results from a G to A substitution one nucleotide after coding exon 20 of the LZTR1 gene. Alterations that disrupt the canonical splice site are expected to result in aberrant splicing. In silico splice site analysis predicts that this alteration will weaken the native splice donor site. RNA studies have demonstrated that this alteration results in abnormal splicing in the set of samples tested (Ambry internal data). The resulting transcript is predicted to be in-frame and is not expected to trigger nonsense-mediated mRNAdecay; however, direct evidence is unavailable. The exact functional effect of the altered amino acid sequence is unknown; however, the impacted region is critical for protein function (Ambry internal data). This nucleotide position is highly conserved in available vertebrate species. Based on the supporting evidence, this variant is likely pathogenic for an increased risk of LZTR1-related schwannomatosis (SWN) and would be expected to cause autosomal recessive Noonan syndrome when present along with a second pathogenic or likely pathogenic variant on the other allele.

Labcorp Genetics (formerly Invitae), Labcorp
Classification: Pathogenic. Last evaluated: 2025-05-01. Review status: criteria provided, single submitter. Criteria: Invitae Variant Classification Sherloc (09022015). Collection method: clinical testing. Allele origin: germline.
Comment: This sequence change affects a donor splice site in intron 20 of the LZTR1 gene. While this variant is not anticipated to result in nonsense mediated decay, it likely alters RNA splicing and results in a disrupted protein product. This variant is present in population databases (rs770322736, gnomAD 0.007%). This variant has not been reported in the literature in individuals affected with LZTR1-related conditions. ClinVar contains an entry for this variant (Variation ID: 1521165). Variants that disrupt the consensus splice site are a relatively common cause of aberrant splicing (PMID: 17576681, 9536098). Algorithms developed to predict the effect of sequence changes on RNA splicing suggest that this variant may disrupt the consensus splice site. This variant disrupts a region of the LZTR1 protein in which other variant(s) (p.Lys805Serfs*8) have been determined to be pathogenic (internal data). This suggests that this is a clinically significant region of the protein, and that variants that disrupt it are likely to be disease-causing. For these reasons, this variant has been classified as Pathogenic.

Blueprint Genetics
Classification: Likely pathogenic for LZTR1-related disorders. Last evaluated: 2023-07-19. Review status: criteria provided, single submitter. Criteria: ACMG Guidelines, 2015. Collection method: clinical testing. Allele origin: germline. Affected: yes. Observed: 1 variant allele.

Literature cited by the submitters: PubMed 17576681 (cited by Labcorp Genetics (formerly Invitae), Labcorp); PubMed 9536098 (cited by Labcorp Genetics (formerly Invitae), Labcorp).